The following is an entry in ClinVar:

NM_016169.4(SUFU):c.339dup (p.Ser114Ter)

Gene: SUFU (SUFU negative regulator of hedgehog signaling; plus strand). Cytogenetic location: 10q24.32.
Variant type: Duplication.
Coding change: c.339dup on transcript NM_016169.4 (MANE Select); coding-DNA position 339, one base duplicated (T; older notation c.339dupT).
Protein change: p.Ser114Ter; replaces serine 114 with a stop codon.
Molecular consequence: nonsense.
Genome position (GRCh38, 1-based): chr10:102,549,991, T duplicated. VCF-style (leftmost placement, unchanged base first): chr10-102549990-C-CT. GRCh37 (hg19) VCF-style: chr10-104309747-C-CT.
Other names: c.339dup, p.Ser114Ter (NM_001178133.2); short protein forms S114*.
Identifiers: ClinVar variation 3756324 (VCV003756324.2).
Genomic context (GRCh38, chr10:102,549,990, plus strand): 5'-GGTAATTGAGCTTAAAACACTTGCTTTTTATGTCTTTCAGGTTTACAGGAACAGATGGAC[C>CT]TAGTGGTTTTGGCTTTGAGTTGACCTTTCGTCTGAAGAGAGAAACTGGGGAGTCTGCCCC-3'

ClinVar aggregate classification (germline): Pathogenic (1 of 4 stars; one submission).

Conditions:
Gorlin syndrome. Also called: Nevoid Basal Cell Carcinoma Syndrome; Basal cell nevus syndrome. Identifiers: Orphanet 377, MedGen C0004779, MONDO:0007187.
Medulloblastoma (MDB). Also called: Medulloblastoma, somatic; MEDULLOBLASTOMA PREDISPOSITION SYNDROME. Identifiers: Orphanet 616, MedGen C0025149, MeSH D008527, MONDO:0007959, OMIM 155255, HP:0002885.

Submission:

Labcorp Genetics (formerly Invitae), Labcorp
Classification: Pathogenic for Gorlin syndrome; Medulloblastoma. Last evaluated: 2024-06-09. Review status: criteria provided, single submitter. Criteria: Invitae Variant Classification Sherloc (09022015). Collection method: clinical testing. Allele origin: germline.
Comment: This sequence change creates a premature translational stop signal (p.Ser114*) in the SUFU gene. It is expected to result in an absent or disrupted protein product. Loss-of-function variants in SUFU are known to be pathogenic (PMID: 22508808, 25403219, 33024317). This variant is not present in population databases (gnomAD no frequency). This variant has not been reported in the literature in individuals affected with SUFU-related conditions. For these reasons, this variant has been classified as Pathogenic.

Literature cited by the submitters: PubMed 22508808; PubMed 25403219; PubMed 33024317.